The following is an entry in ClinVar:

NM_198390.3(CMIP):c.300+1del

Genes: CMIP (c-Maf inducing protein; plus strand), LOC130059505 (ATAC-STARR-seq lymphoblastoid silent region 7759; plus strand). Cytogenetic location: 16q23.2.
Variant type: Deletion.
Coding change: c.300+1del on transcript NM_198390.3 (MANE Select); the canonical splice donor site of the intron after coding-DNA position 300, one base deleted (G; older notation c.300+1delG).
Molecular consequence: splice donor variant.
Genome position (GRCh38, 1-based): chr16:81,445,542, G deleted; the last of 2 consecutive G bases (chr16:81,445,541-81,445,542); deleting either gives the same sequence. VCF-style (leftmost placement, unchanged base first): chr16-81445540-CG-C. GRCh37 (hg19) VCF-style: chr16-81479145-CG-C.
Identifiers: ClinVar variation 2631554 (VCV002631554.1), dbSNP rs2507849217, ClinGen allele CA2695197687.
Genomic context (GRCh38, chr16:81,445,540, plus strand): 5'-TCCTGAGGCGCTGGGAGCCGCACCACCTAACGCTGGCCGACAACAGCCTGGCGTCCGCCA[CG>C]GTGAGTGGCTCTGCGCGGCTGCACCCCCGCCTCTCCTCGGGGCCCGAGATGCGCCCTCCC-3'

ClinVar aggregate classification (germline): Uncertain significance (1 of 4 stars; one submission).

Conditions:
CMIP-related disorder. Also called: CMIP-related condition.

Submission:

PreventionGenetics, part of Exact Sciences
Classification: Uncertain significance for CMIP-related condition. Last evaluated: 2023-06-27. Review status: criteria provided, single submitter. Criteria: ACMG Guidelines, 2015. Collection method: clinical testing. Allele origin: germline.
Comment: The CMIP c.300+1delG variant is predicted to result in a deletion affecting a canonical splice site. To our knowledge, this variant has not been reported in the literature or in a large population database, indicating this variant is rare. At this time, the clinical significance of this variant is uncertain due to the absence of conclusive functional and genetic evidence.